The following is an entry in ClinVar:

ClinVar aggregate classification (germline): Uncertain significance (1 of 4 stars; one submission).

Conditions:
Hereditary cancer-predisposing syndrome. Also called: Neoplastic Syndromes, Hereditary; Tumor predisposition; Hereditary Cancer Syndrome; Hereditary neoplastic syndrome. Identifiers: Orphanet 140162, MedGen C0027672, MeSH D009386, MONDO:0015356.

Submission:

Ambry Genetics
Classification: Uncertain significance for Hereditary cancer-predisposing syndrome. Last evaluated: 2026-03-30. Review status: criteria provided, single submitter. Criteria: Ambry Variant Classification Scheme 2023. Collection method: clinical testing. Allele origin: germline.
Comment: The p.D1866E variant (also known as c.5598T>A), located in coding exon 15 of the APC gene, results from a T to A substitution at nucleotide position 5598. The aspartic acid at codon 1866 is replaced by glutamic acid, an amino acid with highly similar properties. This amino acid position is conserved. In addition, in silico predictors for this gene do not accurately predict pathogenicity. Based on the available evidence, the clinical significance of this variant remains unclear.

NM_000038.6(APC):c.5598T>A (p.Asp1866Glu)

Gene: APC (APC regulator of Wnt signaling pathway; plus strand). Cytogenetic location: 5q22.2.
Variant type: single nucleotide variant.
Coding change: c.5598T>A on transcript NM_000038.6 (MANE Select); coding-DNA position 5598, T replaced by A.
Protein change: p.Asp1866Glu; replaces aspartic acid 1866 with glutamic acid.
Molecular consequence: missense variant. On other transcripts: non-coding transcript variant (2).
Genome position (GRCh38, 1-based): chr5:112,841,192, T>A. VCF-style: chr5-112841192-T-A. GRCh37 (hg19) VCF-style: chr5-112176889-T-A.
Other names: c.5118T>A, p.Asp1706Glu (NM_001354905.2); c.4749T>A, p.Asp1583Glu (NM_001354906.2, NM_001407470.1); c.5682T>A, p.Asp1894Glu (NM_001407446.1); c.5652T>A, p.Asp1884Glu (NM_001407447.1, NM_001407448.1, NM_001407449.1 and 1 more transcripts); c.5598T>A, p.Asp1866Glu (NM_001407450.1, NM_001127510.3, NM_001354895.2); c.5577T>A, p.Asp1859Glu (NM_001407451.1); c.5568T>A, p.Asp1856Glu (NM_001407452.1); c.5421T>A, p.Asp1807Glu (NM_001407453.1, NM_001354901.2); and 11 more; short protein forms D1482E, D1583E, D1706E, D1737E, D1740E, D1765E, D1775E, D1783E.
Identifiers: ClinVar variation 4860995 (VCV004860995.1).